The following is an entry in ClinVar:

NM_017654.4(SAMD9):c.3576C>A (p.Tyr1192Ter)

Gene: SAMD9 (sterile alpha motif domain containing 9; minus strand). Cytogenetic location: 7q21.2.
Variant type: single nucleotide variant.
Coding change: c.3576C>A on transcript NM_017654.4 (MANE Select); coding-DNA position 3576, C replaced by A.
Protein change: p.Tyr1192Ter; replaces tyrosine 1192 with a stop codon.
Molecular consequence: nonsense.
Genome position (GRCh38, 1-based): chr7:93,102,522, G>T on the plus strand (C>A on the coding strand, the complement: SAMD9 is on the minus strand). VCF-style: chr7-93102522-G-T. GRCh37 (hg19) VCF-style: chr7-92731835-G-T.
Other names: c.3576C>A, p.Tyr1192Ter (NM_001193307.2); short protein forms Y1192*.
Identifiers: ClinVar variation 1477199 (VCV001477199.6), dbSNP rs1791551431, ClinGen allele CA368184271.

ClinVar aggregate classification (germline): Uncertain significance (1 of 4 stars; one submission).

Allele frequency attached by ClinVar (database versions not stated): TOPMed below 0.00001.
gnomAD v4.1: 2 of 1,613,648 alleles (0.00012%); highest among the groups gnomAD compares: Non-Finnish European, 0.00017%; no homozygotes.

Submission:

Labcorp Genetics (formerly Invitae), Labcorp
Classification: Uncertain significance. Last evaluated: 2021-01-13. Review status: criteria provided, single submitter. Criteria: Invitae Variant Classification Sherloc (09022015). Collection method: clinical testing. Allele origin: germline.
Comment: This variant is not present in population databases (ExAC no frequency). In summary, the available evidence is currently insufficient to determine the role of this variant in disease. Therefore, it has been classified as a Variant of Uncertain Significance. Experimental studies and prediction algorithms are not available or were not evaluated, and the functional significance of this variant is currently unknown. This variant has not been reported in the literature in individuals with SAMD9-related conditions. This sequence change creates a premature translational stop signal (p.Tyr1192*) in the SAMD9 gene. While this is not anticipated to result in nonsense mediated decay, it is expected to disrupt the last 398 amino acid(s) of the SAMD9 protein.